The following is an entry in ClinVar:

ClinVar aggregate classification (germline): Pathogenic (1 of 4 stars; one submission).

Submission:

GeneDx
Classification: Pathogenic. Last evaluated: 2015-09-23. Review status: criteria provided, single submitter. Criteria: GeneDx Variant Classification (06012015). Collection method: clinical testing. Allele origin: germline. Affected: yes.
Comment: The Q131X nonsense variant in the IL2RG gene has been reported previously in association with X-linked SCID (Puck et al., 1997). This variant is predicted to cause loss of normal protein function either through protein truncation or nonsense-mediated mRNA decay. Therefore, we interpret Q131X as a pathogenic variant.

NM_000206.3(IL2RG):c.391C>T (p.Gln131Ter)

Gene: IL2RG (interleukin 2 receptor subunit gamma; minus strand). Cytogenetic location: Xq13.1.
Variant type: single nucleotide variant.
Coding change: c.391C>T on transcript NM_000206.3 (MANE Select); coding-DNA position 391, C replaced by T.
Protein change: p.Gln131Ter; replaces glutamine 131 with a stop codon.
Molecular consequence: nonsense.
Genome position (GRCh38, 1-based): chrX:71,110,567, G>A on the plus strand (C>T on the coding strand, the complement: IL2RG is on the minus strand). VCF-style: chrX-71110567-G-A. GRCh37 (hg19) VCF-style: chrX-70330417-G-A.
Other names: short protein forms Q131*.
Identifiers: ClinVar variation 429886 (VCV000429886.2), dbSNP rs1131691652, ClinGen allele CA413496661.
Genomic context (GRCh38, chrX:71,110,567, plus strand): 5'-GATTCTGCAGTTTTAGCATCTGTGTGGCCTGTCTCCTGGGTTCCCGTGGGTCCTGGAGCT[G>A]AACAACAAATGTTTGGTAGAGGTGGATCTCCTTTTTTTGCAACTGACAGCCAGAAGTGAT-3'